The following is an entry in ClinVar:

NM_000075.4(CDK4):c.589A>G (p.Met197Val)

Gene: CDK4 (cyclin dependent kinase 4; minus strand). Cytogenetic location: 12q14.1.
Variant type: single nucleotide variant.
Coding change: c.589A>G on transcript NM_000075.4 (MANE Select); coding-DNA position 589, A replaced by G.
Protein change: p.Met197Val; replaces methionine 197 with valine.
Molecular consequence: missense variant.
Genome position (GRCh38, 1-based): chr12:57,750,699, T>C on the plus strand (A>G on the coding strand, the complement: CDK4 is on the minus strand). VCF-style: chr12-57750699-T-C. GRCh37 (hg19) VCF-style: chr12-58144482-T-C.
Other names: short protein forms M197V.
Identifiers: ClinVar variation 3230239 (VCV003230239.1), dbSNP rs576339013, ClinGen allele CA6657775.

ClinVar aggregate classification (germline): Uncertain significance (1 of 4 stars; one submission).

Conditions:
Hereditary cancer-predisposing syndrome. Also called: Neoplastic Syndromes, Hereditary; Tumor predisposition; Hereditary neoplastic syndrome; Hereditary Cancer Syndrome. Identifiers: Orphanet 140162, MedGen C0027672, MeSH D009386, MONDO:0015356.

Allele frequency attached by ClinVar (database versions not stated): ExAC 0.00001; gnomAD 0.00001; 1000 Genomes Project 30x 0.00016; 1000 Genomes Project 0.00020.

Submission:

Ambry Genetics
Classification: Uncertain significance for Hereditary cancer-predisposing syndrome. Last evaluated: 2024-01-12. Review status: criteria provided, single submitter. Criteria: Ambry Variant Classification Scheme 2023. Collection method: clinical testing. Allele origin: germline.
Comment: The p.M197V variant (also known as c.589A>G), located in coding exon 4 of the CDK4 gene, results from an A to G substitution at nucleotide position 589. The methionine at codon 197 is replaced by valine, an amino acid with highly similar properties. This amino acid position is conserved. In addition, this alteration is predicted to be tolerated by in silico analysis. Since supporting evidence is limited at this time, the clinical significance of this alteration remains unclear.